The following is an entry in ClinVar:

NM_001166108.2(PALLD):c.2242G>C (p.Gly748Arg)

Genes: CBR4 (carbonyl reductase 4; minus strand), PALLD (palladin, cytoskeletal associated protein; plus strand). Cytogenetic location: 4q32.3.
Variant type: single nucleotide variant.
Coding change: c.2242G>C on transcript NM_001166108.2 (MANE Select); coding-DNA position 2242, G replaced by C.
Protein change: p.Gly748Arg; replaces glycine 748 with arginine.
Molecular consequence: missense variant. On other transcripts: intron variant (5).
Genome position (GRCh38, 1-based): chr4:168,896,591, G>C. VCF-style: chr4-168896591-G-C. GRCh37 (hg19) VCF-style: chr4-169817742-G-C.
Other names: c.121G>C, p.Gly41Arg (NM_001367568.1, NM_001367570.1); c.2200-1902G>C (NM_016081.4); c.1054-1902G>C (NM_001166109.2); c.739-1902G>C (NM_001166110.2); c.79-1902G>C (NM_001367567.1, NM_001367569.1); short protein forms G41R, G748R.
Identifiers: ClinVar variation 3058626 (VCV003058626.2), dbSNP rs1353803515, ClinGen allele CA358798349.
Genomic context (GRCh38, chr4:168,896,591, plus strand): 5'-TTTTTTCTACCATTACAGGACATTGGTTCTCCTCATGCTTCTGTAGGGAGTCCTCTGGAT[G>C]GTCAAAAGGTTAAGCTTTTCACCTTTCTTCTCCTTCCAGTCTTTCTCTGTGTCTGTTTTC-3'
Protein context (NP_001159580.1, residues 738-758): PHASVGSPLD[Gly748Arg]QKEYKVSSCE

ClinVar aggregate classification (germline): Uncertain significance (0 of 4 stars; one submission).

Conditions:
PALLD-related disorder. Also called: PALLD-related condition.

Allele frequency attached by ClinVar (database versions not stated): gnomAD 0.00002; gnomAD exomes 0.00002; TOPMed 0.00003.
gnomAD v4.1: 33 of 1,507,606 alleles (0.0022%); highest among the groups gnomAD compares: Non-Finnish European, 0.0027%; no homozygotes.

Submission:

PreventionGenetics, part of Exact Sciences
Classification: Uncertain significance for PALLD-related condition. Last evaluated: 2024-02-13. Review status: no assertion criteria provided. Collection method: clinical testing. Allele origin: germline.
Comment: The PALLD c.2242G>C variant is predicted to result in the amino acid substitution p.Gly748Arg. To our knowledge, this variant has not been reported in the literature. This variant is reported in 0.0018% of alleles in individuals of European (Non-Finnish) descent in gnomAD. At this time, the clinical significance of this variant is uncertain due to the absence of conclusive functional and genetic evidence.